The following is an entry in ClinVar:

NM_178822.5(IGSF10):c.352C>T (p.Arg118Ter)

Gene: IGSF10 (immunoglobulin superfamily member 10; minus strand). Cytogenetic location: 3q25.1.
Variant type: single nucleotide variant.
Coding change: c.352C>T on transcript NM_178822.5 (MANE Select); coding-DNA position 352, C replaced by T.
Protein change: p.Arg118Ter; replaces arginine 118 with a stop codon.
Molecular consequence: nonsense.
Genome position (GRCh38, 1-based): chr3:151,453,747, G>A on the plus strand (C>T on the coding strand, the complement: IGSF10 is on the minus strand). VCF-style: chr3-151453747-G-A. GRCh37 (hg19) VCF-style: chr3-151171535-G-A.
Other names: c.352C>T, p.Arg118Ter (NM_001385060.1, NM_001385061.1, NM_001385062.1 and 1 more transcripts); short protein forms R118*.
Identifiers: ClinVar variation 2203456 (VCV002203456.4), dbSNP rs142596318, ClinGen allele CA2670779.

ClinVar aggregate classification (germline): Uncertain significance (1 of 4 stars; one submission).

Allele frequency attached by ClinVar (database versions not stated): ESP Exome Variant Server 0.00015; 1000 Genomes Project 30x 0.00031; 1000 Genomes Project 0.00040; gnomAD exomes 0.00005; gnomAD 0.00007; ExAC 0.00010; TOPMed 0.00011.
gnomAD v4.1: 87 of 1,575,952 alleles (0.0055%); highest among the groups gnomAD compares: Middle Eastern, 0.034%; no homozygotes.

Submission:

Labcorp Genetics (formerly Invitae), Labcorp
Classification: Uncertain significance. Last evaluated: 2022-04-08. Review status: criteria provided, single submitter. Criteria: Invitae Variant Classification Sherloc (09022015). Collection method: clinical testing. Allele origin: germline.
Comment: In summary, the available evidence is currently insufficient to determine the role of this variant in disease. Therefore, it has been classified as a Variant of Uncertain Significance. This premature translational stop signal has been observed in individual(s) with hypogonadotropic hypogonadism (PMID: 27137492). This variant is present in population databases (rs142596318, gnomAD 0.02%). This sequence change creates a premature translational stop signal (p.Arg118*) in the IGSF10 gene. It is expected to result in an absent or disrupted protein product. However, the current clinical and genetic evidence is not sufficient to establish whether loss-of-function variants in IGSF10 cause disease.

Literature cited by the submitters: PubMed 27137492.